The following is an entry in ClinVar:

ClinVar aggregate classification (germline): Likely benign. Review status: criteria provided, single submitter (1 of 4 stars). 2 submissions from 2 submitters: Likely benign (1). 1 of the submissions does not count toward it. Last evaluated 2023-02-21.

Conditions:
TRRAP-related disorder. Also called: TRRAP-related condition.

Allele frequency attached by ClinVar (database versions not stated): ExAC 0.00005; gnomAD 0.00007; 1000 Genomes Project 30x 0.00016; 1000 Genomes Project 0.00020.
gnomAD v4.1: 22 of 1,538,886 alleles (0.0014%); highest among the groups gnomAD compares: East Asian, 0.029%; no homozygotes.

Submissions (2):

Labcorp Genetics (formerly Invitae), Labcorp
Classification: Likely benign. Last evaluated: 2023-02-21. Review status: criteria provided, single submitter. Criteria: Invitae Variant Classification Sherloc (09022015). Collection method: clinical testing. Allele origin: germline.

PreventionGenetics, part of Exact Sciences
Classification: Likely benign for TRRAP-related condition. Last evaluated: 2019-06-17. Review status: no assertion criteria provided. Collection method: clinical testing. Allele origin: germline. Not counted in ClinVar's aggregate classification.
Comment: This variant is classified as likely benign based on ACMG/AMP sequence variant interpretation guidelines (Richards et al. 2015 PMID: 25741868, with internal and published modifications).

NM_001375524.1(TRRAP):c.1351-5G>A

Gene: TRRAP (transformation/transcription domain associated protein; plus strand). Cytogenetic location: 7q22.1.
Variant type: single nucleotide variant.
Coding change: c.1351-5G>A on transcript NM_001375524.1 (MANE Select); 5 bases into the intron before coding-DNA position 1351, G replaced by A.
Molecular consequence: intron variant.
Genome position (GRCh38, 1-based): chr7:98,910,051, G>A. VCF-style: chr7-98910051-G-A. GRCh37 (hg19) VCF-style: chr7-98507674-G-A.
Other names: c.1351-5G>A (NM_003496.4, NM_003496.3, NM_001244580.2).
Identifiers: ClinVar variation 2975659 (VCV002975659.5), dbSNP rs188988672, ClinGen allele CA4359503.